The following is an entry in ClinVar:

NM_152564.5(VPS13B):c.2333+1G>T

Gene: VPS13B (vacuolar protein sorting 13 homolog B; plus strand). Cytogenetic location: 8q22.2.
Variant type: single nucleotide variant.
Coding change: c.2333+1G>T on transcript NM_152564.5 (MANE Select); the canonical splice donor site of the intron after coding-DNA position 2333, G replaced by T.
Molecular consequence: splice donor variant.
Genome position (GRCh38, 1-based): chr8:99,170,164, G>T. VCF-style: chr8-99170164-G-T. GRCh37 (hg19) VCF-style: chr8-100182392-G-T.
Other names: c.2333+1G>T (NM_017890.5, NM_015243.3).
Identifiers: ClinVar variation 937921 (VCV000937921.8), dbSNP rs1812243683, ClinGen allele CA371865551.
Genomic context (GRCh38, chr8:99,170,164, plus strand): 5'-AGTTATTCCCTCTTTCAGCACTGCTCTTTATGGGAAACTTCTGAAACTCCCCACATGCTG[G>T]TAAGTCTTACATGTTAAAATGTGATTTATGTTAATTTCCATTTATTAGGAGGGAAAAAAC-3'

ClinVar aggregate classification (germline): Likely pathogenic (1 of 4 stars; one submission).

Conditions:
Cohen syndrome (COH1). Also called: PEPPER SYNDROME; Cutis verticis gyrata, retinitis pigmentosa, and sensorineural deafness. Identifiers: Orphanet 193, MedGen C0265223, MONDO:0008999, OMIM 216550.

Submission:

Labcorp Genetics (formerly Invitae), Labcorp
Classification: Likely pathogenic for Cohen syndrome. Last evaluated: 2019-08-25. Review status: criteria provided, single submitter. Criteria: Invitae Variant Classification Sherloc (09022015). Collection method: clinical testing. Allele origin: germline.
Comment: In summary, the currently available evidence indicates that the variant is pathogenic, but additional data are needed to prove that conclusively. Therefore, this variant has been classified as Likely Pathogenic. Donor and acceptor splice site variants typically lead to a loss of protein function (PMID: 16199547), and loss-of-function variants in VPS13B are known to be pathogenic (PMID: 15141358, 16648375, 20461111). Algorithms developed to predict the effect of sequence changes on RNA splicing suggest that this variant may disrupt the consensus splice site, but this prediction has not been confirmed by published transcriptional studies. This variant has not been reported in the literature in individuals with VPS13B-related conditions. This variant is not present in population databases (ExAC no frequency). This sequence change affects a donor splice site in intron 16 of the VPS13B gene. It is expected to disrupt RNA splicing and likely results in an absent or disrupted protein product.

Literature cited by the submitters: PubMed 16199547; PubMed 15141358; PubMed 16648375; PubMed 20461111.